The following is an entry in ClinVar:

NM_198525.3(KIF7):c.3337G>A (p.Glu1113Lys)

Genes: KIF7 (kinesin family member 7; minus strand), LOC126862216 (BRD4-independent group 4 enhancer GRCh37_chr15:90171995-90173194; plus strand). Cytogenetic location: 15q26.1.
Variant type: single nucleotide variant.
Coding change: c.3337G>A on transcript NM_198525.3 (MANE Select); coding-DNA position 3337, G replaced by A.
Protein change: p.Glu1113Lys; replaces glutamic acid 1113 with lysine.
Molecular consequence: missense variant.
Genome position (GRCh38, 1-based): chr15:89,629,555, C>T on the plus strand (G>A on the coding strand, the complement: KIF7 is on the minus strand). VCF-style: chr15-89629555-C-T. GRCh37 (hg19) VCF-style: chr15-90172786-C-T.
Other names: short protein forms E1113K.
Identifiers: ClinVar variation 3369578 (VCV003369578.2).

ClinVar aggregate classification (germline): Uncertain significance. Review status: criteria provided, multiple submitters, no conflicts (2 of 4 stars). 2 submissions from 2 submitters: Uncertain significance (2). Last evaluated 2024-02-27.

gnomAD v4.1: 8 of 1,607,234 alleles (0.0005%); highest among the groups gnomAD compares: East Asian, 0.018%; no homozygotes.

Submissions (2):

GeneDx
Classification: Uncertain significance. Last evaluated: 2024-02-27. Review status: criteria provided, single submitter. Criteria: GeneDx Variant Classification Process June 2021. Collection method: clinical testing. Allele origin: germline. Affected: yes.
Comment: Not observed at significant frequency in large population cohorts (gnomAD); In silico analysis supports that this missense variant does not alter protein structure/function; Has not been previously published as pathogenic or benign to our knowledge

Blueprint Genetics
Classification: Uncertain significance. Last evaluated: 2020-04-16. Review status: criteria provided, single submitter. Criteria: ACMG Guidelines, 2015. Collection method: clinical testing. Allele origin: germline.